The following is an entry in ClinVar:

ClinVar aggregate classification (germline): Benign/Likely benign. Review status: criteria provided, multiple submitters, no conflicts (2 of 4 stars). 6 submissions from 6 submitters: Benign (2); Likely benign (4). Last evaluated 2026-09-01.

Conditions:
Retinoblastoma (RB1). Also called: RETINOBLASTOMA, SOMATIC. Identifiers: Orphanet 790, MedGen C0035335, MeSH D012175, MONDO:0008380, OMIM 180200, HP:0009919. Disease mechanism: loss of function. Inheritance: Both sporadic and heritable forms are tested..
Hereditary retinoblastoma. Identifiers: Orphanet 357027, MedGen C0751483, MONDO:0018160.

Allele frequency attached by ClinVar (database versions not stated): 1000 Genomes Project 30x 0.00250; 1000 Genomes Project 0.00280; TOPMed 0.00509; gnomAD 0.00516 and 0.00540; gnomAD exomes 0.00570; ExAC 0.00576; ESP Exome Variant Server 0.00601.
gnomAD v4.1: 11,226 of 1,477,868 alleles (0.76%); highest among the groups gnomAD compares: Non-Finnish European, 0.92%; 61 homozygotes.

Submissions (6):

CeGaT Center for Human Genetics Tuebingen
Classification: Benign. Last evaluated: 2026-09-01. Review status: criteria provided, single submitter. Criteria: CeGaT Center For Human Genetics Tuebingen Variant Classification Criteria Version 2. Collection method: clinical testing. Allele origin: germline. Affected: yes. Observed: 100 variant alleles.
Comment: RB1: BS1, BS2

Labcorp Genetics (formerly Invitae), Labcorp
Classification: Benign for Retinoblastoma. Last evaluated: 2026-02-04. Review status: criteria provided, single submitter. Criteria: Invitae Variant Classification Sherloc (09022015). Collection method: clinical testing. Allele origin: germline.

Ramesar Group, Division of Human Genetics, Institute of Infectious Diseases and Molecular Medicine, UCT/MRC Genomic and Precision Medicine Research Unit, University of Cape Town
Classification: Likely benign for Hereditary retinoblastoma. Last evaluated: 2025-09-17. Review status: criteria provided, single submitter. Criteria: ACMG Guidelines, 2015. Collection method: research. Allele origin: germline. Affected: no.
Comment: BP5 - Variant found in a patient with a different retinal disease; RB1 is not associated with the phenotype BP6 - Reported as benign in ClinVar BP7 - A non-coding variant with no predicted effect on splicing (SpliceAI scores are negligible)

Blueprint Genetics
Classification: Likely benign. Last evaluated: 2024-11-22. Review status: criteria provided, single submitter. Criteria: ACMG Guidelines, 2015. Collection method: clinical testing. Allele origin: germline.

Mendelics
Classification: Likely benign for Retinoblastoma. Last evaluated: 2019-05-28. Review status: criteria provided, single submitter. Criteria: Mendelics Assertion Criteria 2017. Collection method: clinical testing. Allele origin: unknown.

Breakthrough Genomics
Classification: Likely benign. Review status: criteria provided, single submitter. Criteria: ACMG Guidelines, 2015. Collection method: not provided. Allele origin: germline. Inheritance: Autosomal dominant inheritance. Affected: yes.

NM_000321.3(RB1):c.2490-45A>G

Gene: RB1 (RB transcriptional corepressor 1; plus strand). Cytogenetic location: 13q14.2.
Variant type: single nucleotide variant.
Coding change: c.2490-45A>G on transcript NM_000321.3 (MANE Select); 45 bases into the intron before coding-DNA position 2490, A replaced by G.
Molecular consequence: intron variant.
Genome position (GRCh38, 1-based): chr13:48,473,315, A>G. VCF-style: chr13-48473315-A-G. GRCh37 (hg19) VCF-style: chr13-49047451-A-G.
Identifiers: ClinVar variation 802991 (VCV000802991.39), dbSNP rs4151610, ClinGen allele CA035858.